The following is an entry in ClinVar:

NM_000038.6(APC):c.4306A>G (p.Ser1436Gly)

Gene: APC (APC regulator of Wnt signaling pathway; plus strand). Cytogenetic location: 5q22.2.
Variant type: single nucleotide variant.
Coding change: c.4306A>G on transcript NM_000038.6 (MANE Select); coding-DNA position 4306, A replaced by G.
Protein change: p.Ser1436Gly; replaces serine 1436 with glycine.
Molecular consequence: missense variant.
Genome position (GRCh38, 1-based): chr5:112,839,900, A>G. VCF-style: chr5-112839900-A-G. GRCh37 (hg19) VCF-style: chr5-112175597-A-G.
Other names: c.4306A>G, p.Ser1436Gly (NM_001127510.3, NM_001354895.2); c.4252A>G, p.Ser1418Gly (NM_001127511.3); c.4360A>G, p.Ser1454Gly (NM_001354896.2); c.4336A>G, p.Ser1446Gly (NM_001354897.2); c.4231A>G, p.Ser1411Gly (NM_001354898.2); c.4222A>G, p.Ser1408Gly (NM_001354899.2); c.4183A>G, p.Ser1395Gly (NM_001354900.2); c.4129A>G, p.Ser1377Gly (NM_001354901.2); and 5 more; short protein forms S1418G, S1436G, S1310G, S1408G, S1335G, S1377G, S1411G, S1446G.
Identifiers: ClinVar variation 537431 (VCV000537431.15), dbSNP rs1554085743, ClinGen allele CA16030769.
Genomic context (GRCh38, chr5:112,839,900, plus strand): 5'-GGCATTATAAGCCCCAGTGATCTTCCAGATAGCCCTGGACAAACCATGCCACCAAGCAGA[A>G]GTAAAACACCTCCACCACCTCCTCAAACAGCTCAAACCAAGCGAGAAGTACCTAAAAATA-3'
Protein context (NP_000029.2, residues 1426-1446): SPGQTMPPSR[Ser1436Gly]KTPPPPPQTA

ClinVar aggregate classification (germline): Uncertain significance. Review status: criteria provided, multiple submitters, no conflicts (2 of 4 stars). 3 submissions from 3 submitters: Uncertain significance (3). Last evaluated 2025-07-08.

Conditions:
Familial adenomatous polyposis 1 (FAP1). Also called: FAMILIAL ADENOMATOUS POLYPOSIS 1, ATTENUATED; POLYPOSIS, ADENOMATOUS INTESTINAL. Identifiers: MedGen C2713442, MONDO:0021056, OMIM 175100. Disease mechanism: loss of function.
Hereditary cancer-predisposing syndrome. Also called: Tumor predisposition; Hereditary Cancer Syndrome; Hereditary neoplastic syndrome; Neoplastic Syndromes, Hereditary. Identifiers: Orphanet 140162, MedGen C0027672, MeSH D009386, MONDO:0015356.

Allele frequency attached by ClinVar (database versions not stated): gnomAD 0.00001; TOPMed 0.00002.
gnomAD v4.1: 2 of 1,614,012 alleles (0.00012%); highest among the groups gnomAD compares: Admixed American, 0.0033%; no homozygotes.

Submissions (3):

Labcorp Genetics (formerly Invitae), Labcorp
Classification: Uncertain significance for Familial adenomatous polyposis 1. Last evaluated: 2025-07-08. Review status: criteria provided, single submitter. Criteria: Invitae Variant Classification Sherloc (09022015). Collection method: clinical testing. Allele origin: germline.
Comment: This sequence change replaces serine, which is neutral and polar, with glycine, which is neutral and non-polar, at codon 1436 of the APC protein (p.Ser1436Gly). This variant is not present in population databases (gnomAD no frequency). This variant has not been reported in the literature in individuals affected with APC-related conditions. ClinVar contains an entry for this variant (Variation ID: 537431). Invitae Evidence Modeling of protein sequence and biophysical properties (such as structural, functional, and spatial information, amino acid conservation, physicochemical variation, residue mobility, and thermodynamic stability) indicates that this missense variant is not expected to disrupt APC protein function with a negative predictive value of 95%. In summary, the available evidence is currently insufficient to determine the role of this variant in disease. Therefore, it has been classified as a Variant of Uncertain Significance.

GeneDx
Classification: Uncertain significance. Last evaluated: 2024-07-30. Review status: criteria provided, single submitter. Criteria: GeneDx Variant Classification Process June 2021. Collection method: clinical testing. Allele origin: germline. Affected: yes.
Comment: Not observed at significant frequency in large population cohorts (gnomAD); In silico analysis supports that this missense variant has a deleterious effect on protein structure/function; Has not been previously published as pathogenic or benign to our knowledge; This variant is associated with the following publications: (PMID: 18199528, 29641532)

Ambry Genetics
Classification: Uncertain significance for Hereditary cancer-predisposing syndrome. Last evaluated: 2023-06-12. Review status: criteria provided, single submitter. Criteria: Ambry Variant Classification Scheme 2023. Collection method: clinical testing. Allele origin: germline.
Comment: The p.S1436G variant (also known as c.4306A>G), located in coding exon 15 of the APC gene, results from an A to G substitution at nucleotide position 4306. The serine at codon 1436 is replaced by glycine, an amino acid with similar properties. This alteration was identified in 1/1358 non-cancer control individuals and in 0/57 cases, in a study looking at cancer predisposition mutations in patients with cutaneous melanoma and a history of at least two additional non-cutaneous melanoma primary cancers (Pritchard AL et al. PLoS One, 2018 Apr;13:e0194098). This amino acid position is well conserved in available vertebrate species. In addition, in silico predictors for this gene do not accurately predict pathogenicity. Since supporting evidence is limited at this time, the clinical significance of this alteration remains unclear.

Literature cited by the submitters: PubMed 29641532 (cited by Ambry Genetics).